The following is an entry in ClinVar:

ClinVar aggregate classification (germline): Uncertain significance. Review status: criteria provided, multiple submitters, no conflicts (2 of 4 stars). 2 submissions from 2 submitters: Uncertain significance (2). Last evaluated 2026-03-28.

Conditions:
DICER1-related tumor predisposition. Also called: DICER1 syndrome; DICER1-related pleuropulmonary blastoma cancer predisposition syndrome. Identifiers: Orphanet 284343, MedGen C3839822, MONDO:0100216.
Hereditary cancer-predisposing syndrome. Also called: Tumor predisposition; Hereditary neoplastic syndrome; Neoplastic Syndromes, Hereditary; Hereditary Cancer Syndrome. Identifiers: Orphanet 140162, MedGen C0027672, MeSH D009386, MONDO:0015356.

Allele frequency attached by ClinVar (database versions not stated): gnomAD 0.00001; TOPMed below 0.00001.
gnomAD v4.1: 1 of 1,613,822 alleles (0.000062%); highest among the groups gnomAD compares: Non-Finnish European, 0.000085%; no homozygotes.

Submissions (2):

Ambry Genetics
Classification: Uncertain significance for Hereditary cancer-predisposing syndrome. Last evaluated: 2026-03-28. Review status: criteria provided, single submitter. Criteria: Ambry Variant Classification Scheme 2023. Collection method: clinical testing. Allele origin: germline.
Comment: The p.I446V variant (also known as c.1336A>G), located in coding exon 7 of the DICER1 gene, results from an A to G substitution at nucleotide position 1336. The isoleucine at codon 446 is replaced by valine, an amino acid with highly similar properties. This amino acid position is conserved. In addition, this alteration is predicted to be tolerated by in silico analysis. Based on the available evidence, the clinical significance of this variant remains unclear.

Labcorp Genetics (formerly Invitae), Labcorp
Classification: Uncertain significance for DICER1-related tumor predisposition. Last evaluated: 2023-11-16. Review status: criteria provided, single submitter. Criteria: Invitae Variant Classification Sherloc (09022015). Collection method: clinical testing. Allele origin: germline.
Comment: This sequence change replaces isoleucine, which is neutral and non-polar, with valine, which is neutral and non-polar, at codon 446 of the DICER1 protein (p.Ile446Val). This variant is not present in population databases (gnomAD no frequency). This variant has not been reported in the literature in individuals affected with DICER1-related conditions. Advanced modeling of protein sequence and biophysical properties (such as structural, functional, and spatial information, amino acid conservation, physicochemical variation, residue mobility, and thermodynamic stability) performed at Invitae indicates that this missense variant is not expected to disrupt DICER1 protein function with a negative predictive value of 80%. In summary, the available evidence is currently insufficient to determine the role of this variant in disease. Therefore, it has been classified as a Variant of Uncertain Significance.

NM_177438.3(DICER1):c.1336A>G (p.Ile446Val)

Gene: DICER1 (dicer 1, ribonuclease III; minus strand). Cytogenetic location: 14q32.13.
Variant type: single nucleotide variant.
Coding change: c.1336A>G on transcript NM_177438.3 (MANE Select); coding-DNA position 1336, A replaced by G.
Protein change: p.Ile446Val; replaces isoleucine 446 with valine.
Molecular consequence: missense variant. On other transcripts: 5 prime UTR variant (1), non-coding transcript variant (6).
Genome position (GRCh38, 1-based): chr14:95,124,236, T>C on the plus strand (A>G on the coding strand, the complement: DICER1 is on the minus strand). VCF-style: chr14-95124236-T-C. GRCh37 (hg19) VCF-style: chr14-95590573-T-C.
Other names: c.1336A>G, p.Ile446Val (NM_001271282.3, NM_001291628.2, NM_001395677.1 and 15 more transcripts); c.1054A>G, p.Ile352Val (NM_001395686.1); c.931A>G, p.Ile311Val (NM_001395687.1, NM_001395688.1, NM_001395689.1 and 3 more transcripts); c.769A>G, p.Ile257Val (NM_001395691.1); c.-233A>G (NM_001395697.1); short protein forms I257V, I352V, I446V, I311V.
Identifiers: ClinVar variation 2802709 (VCV002802709.4), dbSNP rs1376773899, ClinGen allele CA390886197.